The following is an entry in ClinVar:

NM_001009944.3(PKD1):c.-52C>T

Gene: PKD1 (polycystin 1, transient receptor potential channel interacting; minus strand). Cytogenetic location: 16p13.3.
Variant type: single nucleotide variant.
Coding change: c.-52C>T on transcript NM_001009944.3 (MANE Select); 52 bases upstream of the start codon, C replaced by T.
Molecular consequence: 5 prime UTR variant.
Genome position (GRCh38, 1-based): chr16:2,135,741, G>A on the plus strand (C>T on the coding strand, the complement: PKD1 is on the minus strand). VCF-style: chr16-2135741-G-A. GRCh37 (hg19) VCF-style: chr16-2185742-G-A.
Other names: c.-52C>T (NM_000296.4).
Identifiers: ClinVar variation 997323 (VCV000997323.1), dbSNP rs1051951834, ClinGen allele CA276756641.

ClinVar aggregate classification (germline): Benign (0 of 4 stars; one submission).

Conditions:
Polycystic kidney disease. Also called: Polycystic kidney dysplasia; Kidney, Polycystic. Identifiers: MedGen C0022680, MeSH D007690, MONDO:0020642, HP:0000113.

Allele frequency attached by ClinVar (database versions not stated): 1000 Genomes Project 30x 0.01109; TOPMed 0.01159.
gnomAD v4.1: 2,447 of 964,924 alleles (0.25%); highest among the groups gnomAD compares: African/African-American, 3.6%; 33 homozygotes.

Submission:

Department of Pathology and Laboratory Medicine, Sinai Health System
Classification: Benign for Polycystic Kidney disease. Review status: no assertion criteria provided. Collection method: clinical testing. Allele origin: unknown. Affected: yes. Observed: 1 variant allele. Study: The Canadian Open Genetics Repository (COGR).
Comment: The ADPKD variant was not identified in the literature, nor was it identified in dbSNP, the 1000 Genomes Project, the NHLBI Exome Sequencing Project, the Exome Aggregation Consortium, GeneInsight COGR, ClinVar, Clinvitae, MutDB, ADPKD Mutation Database or PKD1-LOVD, or PKD1-LOVD 3.0. The variant occurs outside of the splicing consensus sequence and in silico or computational prediction software programs (SpliceSiteFinder, MaxEntScan, NNSPLICE, GeneSplicer, HumanSpliceFinder) do not predict a difference in splicing. In summary, based on the above information, this variant meets our laboratory criteria to be classified as benign.